The following is an entry in ClinVar:

NM_178335.3(CCDC50):c.651T>C (p.His217=)

Gene: CCDC50 (coiled-coil domain containing 50; plus strand). Cytogenetic location: 3q28.
Variant type: single nucleotide variant.
Coding change: c.651T>C on transcript NM_178335.3 (MANE Select); coding-DNA position 651, T replaced by C.
Protein change: p.His217=; no amino-acid change (histidine 217 retained).
Molecular consequence: synonymous variant. On other transcripts: intron variant (1).
Genome position (GRCh38, 1-based): chr3:191,375,264, T>C. VCF-style: chr3-191375264-T-C. GRCh37 (hg19) VCF-style: chr3-191093053-T-C.
Other names: p.His217=; c.449-4895T>C (NM_174908.4).
Identifiers: ClinVar variation 48156 (VCV000048156.17), dbSNP rs2028572, ClinGen allele CA142717.
Genomic context (GRCh38, chr3:191,375,264, plus strand): 5'-TTGTTCATCGAAGAGATCCCTGTCATCCTCTAGCTCGGGCAAAGGGAGGGACAATCCCCA[T>C]ATTAACAATGAGCAGCATGAAAGGAAACGGTCCACTCAGGAGAGGCCTCGGAGACCTCTG-3'
Protein context (NP_848018.1, residues 207-227): SSSGKGRDNP[His217=]INNEQHERKR

ClinVar aggregate classification (germline): Benign. Review status: criteria provided, multiple submitters, no conflicts (2 of 4 stars). 7 submissions from 7 submitters: Benign (7). Last evaluated 2026-02-03.

Conditions:
Autosomal dominant nonsyndromic hearing loss 44. Identifiers: Orphanet 90635, MedGen C1843895, MONDO:0011832, OMIM 607453.

Allele frequency attached by ClinVar (database versions not stated): gnomAD exomes 0.40013 and 0.42802; ExAC 0.42855; gnomAD 0.48519 and 0.49117; ESP Exome Variant Server 0.48893; 1000 Genomes Project 0.50200; TOPMed 0.50307; 1000 Genomes Project 30x 0.51296.
gnomAD v4.1: 659,012 of 1,613,266 alleles (41%); highest among the groups gnomAD compares: African/African-American, 68%; 138,279 homozygotes.

Submissions (7):

Labcorp Genetics (formerly Invitae), Labcorp
Classification: Benign. Last evaluated: 2026-02-03. Review status: criteria provided, single submitter. Criteria: Invitae Variant Classification Sherloc (09022015). Collection method: clinical testing. Allele origin: germline.

Genome-Nilou Lab
Classification: Benign for Autosomal dominant nonsyndromic hearing loss 44. Last evaluated: 2021-07-14. Review status: criteria provided, single submitter. Criteria: ACMG Guidelines, 2015. Collection method: clinical testing. Allele origin: germline. Affected: no.

Mayo Clinic Laboratories, Mayo Clinic
Classification: Benign. Last evaluated: 2019-06-24. Review status: criteria provided, single submitter. Criteria: ACMG Guidelines, 2015. Collection method: clinical testing. Allele origin: germline. Observed: 108 variant alleles.

GeneDx
Classification: Benign. Last evaluated: 2017-05-09. Review status: criteria provided, single submitter. Criteria: GeneDx Variant Classification (06012015). Collection method: clinical testing. Allele origin: germline. Affected: yes.
Comment: This variant is considered likely benign or benign based on one or more of the following criteria: it is a conservative change, it occurs at a poorly conserved position in the protein, it is predicted to be benign by multiple in silico algorithms, and/or has population frequency not consistent with disease.

Laboratory for Molecular Medicine, Mass General Brigham Personalized Medicine
Classification: Benign. Last evaluated: 2012-05-07. Review status: criteria provided, single submitter. Criteria: LMM Criteria. Collection method: clinical testing. Allele origin: germline. Observed: 1,121 variant alleles.
Comment: "His217His in Exon 06 of CCDC50: This variant is not expected to have clinical s ignificance because it does not alter an amino acid residue, is not located with in the splice consensus sequence, and has been identified in 39.5% (2776/7020) o f European American chromosomes from a broad population by the NHLBI Exome Seque ncing Project (dbSNP rs2028572)."

Breakthrough Genomics
Classification: Benign. Review status: criteria provided, single submitter. Criteria: ACMG Guidelines, 2015. Collection method: not provided. Allele origin: germline. Inheritance: Autosomal dominant inheritance. Affected: yes.

PreventionGenetics, part of Exact Sciences
Classification: Benign. Review status: criteria provided, single submitter. Criteria: ACMG Guidelines, 2015. Collection method: clinical testing. Allele origin: germline.